The following is an entry in ClinVar:

NM_033380.3(COL4A5):c.3247-2A>G

Gene: COL4A5 (collagen type IV alpha 5 chain; plus strand). Cytogenetic location: Xq22.3.
Variant type: single nucleotide variant.
Coding change: c.3247-2A>G on transcript NM_033380.3 (MANE Select); the canonical splice acceptor site of the intron before coding-DNA position 3247, A replaced by G.
Molecular consequence: splice acceptor variant.
Genome position (GRCh38, 1-based): chrX:108,655,329, A>G. VCF-style: chrX-108655329-A-G. GRCh37 (hg19) VCF-style: chrX-107898559-A-G.
Other names: c.3247-2A>G (NM_000495.5).
Identifiers: ClinVar variation 1448421 (VCV001448421.8), dbSNP rs2147934967, ClinGen allele CA413857150.
Genomic context (GRCh38, chrX:108,655,329, plus strand): 5'-TGTTCTTATACAATCTAAGTCGTGTAGAGACTTCAGTATTATCTTTTTATTCGTGTTTTC[A>G]GGGTGAGCCTGGTCTGCCTGGATACCCAGGGAACCCTGGTATCAAAGGTTCTGTGGGAGA-3'

ClinVar aggregate classification (germline): Pathogenic (1 of 4 stars; one submission).

Submission:

Labcorp Genetics (formerly Invitae), Labcorp
Classification: Pathogenic. Last evaluated: 2025-06-12. Review status: criteria provided, single submitter. Criteria: Invitae Variant Classification Sherloc (09022015). Collection method: clinical testing. Allele origin: germline.
Comment: This sequence change affects an acceptor splice site in intron 36 of the COL4A5 gene. RNA analysis indicates that disruption of this splice site induces altered splicing and may result in an absent or altered protein product. This variant is not present in population databases (gnomAD no frequency). Disruption of this splice site has been observed in individuals with X-linked Alport syndrome (PMID: 29270492, 29959198; internal data). ClinVar contains an entry for this variant (Variation ID: 1448421). Studies have shown that disruption of this splice site results in skipping of exon 37, and produces a non-functional protein and/or introduces a premature termination codon (PMID: 29959198). For these reasons, this variant has been classified as Pathogenic.

Literature cited by the submitters: PubMed 29270492; PubMed 29959198.